The following is an entry in ClinVar:

ClinVar aggregate classification (germline): Conflicting classifications of pathogenicity. Review status: criteria provided, conflicting classifications (1 of 4 stars). 5 submissions from 5 submitters: Uncertain significance (3); Likely benign (2). Last evaluated 2024-09-01.

Conditions:
Inborn genetic diseases. Identifiers: MedGen C0950123, MeSH D030342.
Developmental and epileptic encephalopathy. Identifiers: MedGen C5779964, MONDO:0100620.
Developmental and epileptic encephalopathy, 5 (DEE5). Identifiers: Orphanet 3451, MedGen C3150731, MONDO:0013277, OMIM 613477.

Allele frequency attached by ClinVar (database versions not stated): ExAC 0.00001; gnomAD 0.00002 and 0.00003; gnomAD exomes 0.00002 and 0.00003; TOPMed 0.00003; 1000 Genomes Project 30x 0.00016; 1000 Genomes Project 0.00020.
gnomAD v4.1: 52 of 1,614,030 alleles (0.0032%); highest among the groups gnomAD compares: African/African-American, 0.0053%; no homozygotes.

Submissions (5):

CeGaT Center for Human Genetics Tuebingen
Classification: Uncertain significance. Last evaluated: 2024-09-01. Review status: criteria provided, single submitter. Criteria: CeGaT Center For Human Genetics Tuebingen Variant Classification Criteria Version 2. Collection method: clinical testing. Allele origin: germline. Affected: yes. Observed: 1 variant allele.

Ambry Genetics
Classification: Uncertain significance for Inborn genetic diseases. Last evaluated: 2024-03-08. Review status: criteria provided, single submitter. Criteria: Ambry Variant Classification Scheme 2023. Collection method: clinical testing. Allele origin: germline.

Labcorp Genetics (formerly Invitae), Labcorp
Classification: Uncertain significance for Early-infantile DEE. Last evaluated: 2023-08-17. Review status: criteria provided, single submitter. Criteria: Invitae Variant Classification Sherloc (09022015). Collection method: clinical testing. Allele origin: germline.
Comment: In summary, the available evidence is currently insufficient to determine the role of this variant in disease. Therefore, it has been classified as a Variant of Uncertain Significance. This sequence change replaces proline, which is neutral and non-polar, with leucine, which is neutral and non-polar, at codon 1823 of the SPTAN1 protein (p.Pro1823Leu). This variant is present in population databases (rs561973288, gnomAD 0.004%). This variant has not been reported in the literature in individuals affected with SPTAN1-related conditions. ClinVar contains an entry for this variant (Variation ID: 385053). Advanced modeling of protein sequence and biophysical properties (such as structural, functional, and spatial information, amino acid conservation, physicochemical variation, residue mobility, and thermodynamic stability) has been performed at Invitae for this missense variant, however the output from this modeling did not meet the statistical confidence thresholds required to predict the impact of this variant on SPTAN1 protein function.

Genome-Nilou Lab
Classification: Likely benign for Developmental and epileptic encephalopathy, 5. Last evaluated: 2021-07-15. Review status: criteria provided, single submitter. Criteria: ACMG Guidelines, 2015. Collection method: clinical testing. Allele origin: germline. Affected: no.

GeneDx
Classification: Likely benign. Last evaluated: 2016-06-30. Review status: criteria provided, single submitter. Criteria: GeneDx Variant Classification (06012015). Collection method: clinical testing. Allele origin: germline. Affected: yes.
Comment: This variant is considered likely benign or benign based on one or more of the following criteria: it is a conservative change, it occurs at a poorly conserved position in the protein, it is predicted to be benign by multiple in silico algorithms, and/or has population frequency not consistent with disease.

NM_001130438.3(SPTAN1):c.5468C>T (p.Pro1823Leu)

Gene: SPTAN1 (spectrin alpha, non-erythrocytic 1; plus strand). Cytogenetic location: 9q34.11.
Variant type: single nucleotide variant.
Coding change: c.5468C>T on transcript NM_001130438.3 (MANE Select); coding-DNA position 5468, C replaced by T.
Protein change: p.Pro1823Leu; replaces proline 1823 with leucine.
Molecular consequence: missense variant.
Genome position (GRCh38, 1-based): chr9:128,617,750, C>T. VCF-style: chr9-128617750-C-T. GRCh37 (hg19) VCF-style: chr9-131380029-C-T.
Other names: c.5393C>T, p.Pro1798Leu (NM_001195532.2); c.5468C>T, p.Pro1823Leu (NM_001363759.2); c.5408C>T, p.Pro1803Leu (NM_001363765.2); c.5453C>T, p.Pro1818Leu (NM_003127.4); short protein forms P1823L, P1798L, P1803L, P1818L.
Identifiers: ClinVar variation 385053 (VCV000385053.26), dbSNP rs561973288, ClinGen allele CA5265459.